The following is an entry in ClinVar:

NM_001165963.4(SCN1A):c.1479T>A (p.Ser493Arg)

Gene: SCN1A (sodium voltage-gated channel alpha subunit 1; minus strand). Cytogenetic location: 2q24.3.
Variant type: single nucleotide variant.
Coding change: c.1479T>A on transcript NM_001165963.4 (MANE Select); coding-DNA position 1479, T replaced by A.
Protein change: p.Ser493Arg; replaces serine 493 with arginine.
Molecular consequence: missense variant. On other transcripts: 5 prime UTR variant (1), non-coding transcript variant (1).
Genome position (GRCh38, 1-based): chr2:166,045,226, A>T on the plus strand (T>A on the coding strand, the complement: SCN1A is on the minus strand). VCF-style: chr2-166045226-A-T. GRCh37 (hg19) VCF-style: chr2-166901736-A-T.
Other names: c.1479T>A, p.Ser493Arg (NM_001165964.3, NM_001202435.3, NM_001353948.2 and 7 more transcripts); c.1476T>A, p.Ser492Arg (NM_001353954.2, NM_001353955.2, NM_001353960.2); c.-947T>A (NM_001353961.2); short protein forms S493R, S492R.
Identifiers: ClinVar variation 808865 (VCV000808865.53), dbSNP rs200545739, ClinGen allele CA59796899.

ClinVar aggregate classification (germline): Uncertain significance. Review status: criteria provided, multiple submitters, no conflicts (2 of 4 stars). 3 submissions from 3 submitters: Uncertain significance (3). Last evaluated 2025-01-02.

Conditions:
Early-infantile DEE. Also called: Early infantile epileptic encephalopathy with suppression bursts; Early infantile epileptic encephalopathy; Ohtahara syndrome. Identifiers: Orphanet 1934, MedGen C0393706, MONDO:0800491.

Allele frequency attached by ClinVar (database versions not stated): gnomAD exomes below 0.00001 and 0.00002.
gnomAD v4.1: 23 of 1,613,484 alleles (0.0014%); highest among the groups gnomAD compares: Non-Finnish European, 0.0019%; no homozygotes.

Submissions (3):

GeneDx
Classification: Uncertain significance. Last evaluated: 2025-01-02. Review status: criteria provided, single submitter. Criteria: GeneDx Variant Classification Process June 2021. Collection method: clinical testing. Allele origin: germline. Affected: yes.
Comment: Not observed at significant frequency in large population cohorts (gnomAD); In silico analysis supports that this missense variant has a deleterious effect on protein structure/function; This substitution is predicted to be within the cytoplasmic loop between the first and second homologous domains; Has not been previously published as pathogenic or benign to our knowledge

Labcorp Genetics (formerly Invitae), Labcorp
Classification: Uncertain significance for Early-infantile DEE. Last evaluated: 2021-06-07. Review status: criteria provided, single submitter. Criteria: Invitae Variant Classification Sherloc (09022015). Collection method: clinical testing. Allele origin: germline.
Comment: In summary, the available evidence is currently insufficient to determine the role of this variant in disease. Therefore, it has been classified as a Variant of Uncertain Significance. This sequence change replaces serine with arginine at codon 493 of the SCN1A protein (p.Ser493Arg). The serine residue is highly conserved and there is a moderate physicochemical difference between serine and arginine. This variant is not present in population databases (ExAC no frequency). This variant has not been reported in the literature in individuals with SCN1A-related conditions. ClinVar contains an entry for this variant (Variation ID: 808865). Algorithms developed to predict the effect of missense changes on protein structure and function (SIFT, PolyPhen-2, Align-GVGD) all suggest that this variant is likely to be disruptive, but these predictions have not been confirmed by published functional studies and their clinical significance is uncertain.

CeGaT Center for Human Genetics Tuebingen
Classification: Uncertain significance. Last evaluated: 2017-07-01. Review status: criteria provided, single submitter. Criteria: CeGaT Center For Human Genetics Tuebingen Variant Classification Criteria Version 2. Collection method: clinical testing. Allele origin: germline. Affected: yes. Observed: 1 variant allele.